The following is an entry in ClinVar:

ClinVar aggregate classification (germline): Uncertain significance (1 of 4 stars; one submission).

Submission:

Labcorp Genetics (formerly Invitae), Labcorp
Classification: Uncertain significance. Last evaluated: 2022-07-26. Review status: criteria provided, single submitter. Criteria: Invitae Variant Classification Sherloc (09022015). Collection method: clinical testing. Allele origin: germline.
Comment: This sequence change replaces isoleucine, which is neutral and non-polar, with methionine, which is neutral and non-polar, at codon 216 of the RAB3GAP1 protein (p.Ile216Met). This variant is not present in population databases (gnomAD no frequency). This variant has not been reported in the literature in individuals affected with RAB3GAP1-related conditions. Algorithms developed to predict the effect of missense changes on protein structure and function are either unavailable or do not agree on the potential impact of this missense change (SIFT: "Deleterious"; PolyPhen-2: "Benign"; Align-GVGD: "Class C0"). Algorithms developed to predict the effect of sequence changes on RNA splicing suggest that this variant may disrupt the consensus splice site. In summary, the available evidence is currently insufficient to determine the role of this variant in disease. Therefore, it has been classified as a Variant of Uncertain Significance.

NM_012233.3(RAB3GAP1):c.648T>G (p.Ile216Met)

Gene: RAB3GAP1 (RAB3 GTPase activating protein catalytic subunit 1; plus strand). Cytogenetic location: 2q21.3.
Variant type: single nucleotide variant.
Coding change: c.648T>G on transcript NM_012233.3 (MANE Select); coding-DNA position 648, T replaced by G.
Protein change: p.Ile216Met; replaces isoleucine 216 with methionine.
Molecular consequence: missense variant.
Genome position (GRCh38, 1-based): chr2:135,115,381, T>G. VCF-style: chr2-135115381-T-G. GRCh37 (hg19) VCF-style: chr2-135872951-T-G.
Other names: c.648T>G, p.Ile216Met (NM_001172435.2); short protein forms I216M.
Identifiers: ClinVar variation 2015775 (VCV002015775.4), dbSNP rs2468179787, ClinGen allele CA348567371.